The following is an entry in ClinVar:

NM_206933.4(USH2A):c.5227A>C (p.Lys1743Gln)

Genes: USH2A (usherin; minus strand), USH2A-AS2 (USH2A antisense RNA 2; plus strand). Cytogenetic location: 1q41.
Variant type: single nucleotide variant.
Coding change: c.5227A>C on transcript NM_206933.4 (MANE Select); coding-DNA position 5227, A replaced by C.
Protein change: p.Lys1743Gln; replaces lysine 1743 with glutamine.
Molecular consequence: missense variant.
Genome position (GRCh38, 1-based): chr1:216,083,527, T>G on the plus strand (A>C on the coding strand, the complement: USH2A is on the minus strand). VCF-style: chr1-216083527-T-G. GRCh37 (hg19) VCF-style: chr1-216256869-T-G.
Other names: c.5227A>C (NM_206933.2); short protein forms K1743Q.
Identifiers: ClinVar variation 1930988 (VCV001930988.4), dbSNP rs2032019592, ClinGen allele CA344858034.

ClinVar aggregate classification (germline): Uncertain significance. Review status: criteria provided, multiple submitters, no conflicts (2 of 4 stars). 2 submissions from 2 submitters: Uncertain significance (2). Last evaluated 2025-11-23.

Conditions:
Inborn genetic diseases. Identifiers: MedGen C0950123, MeSH D030342.

gnomAD v4.1: 2 of 1,612,470 alleles (0.00012%); no homozygotes.

Submissions (2):

Ambry Genetics
Classification: Uncertain significance for Inborn genetic diseases. Last evaluated: 2025-11-23. Review status: criteria provided, single submitter. Criteria: Ambry Variant Classification Scheme 2023. Collection method: clinical testing. Allele origin: germline.

Labcorp Genetics (formerly Invitae), Labcorp
Classification: Uncertain significance. Last evaluated: 2024-01-26. Review status: criteria provided, single submitter. Criteria: Invitae Variant Classification Sherloc (09022015). Collection method: clinical testing. Allele origin: germline.
Comment: This sequence change replaces lysine, which is basic and polar, with glutamine, which is neutral and polar, at codon 1743 of the USH2A protein (p.Lys1743Gln). This variant is not present in population databases (gnomAD no frequency). This variant has not been reported in the literature in individuals affected with USH2A-related conditions. ClinVar contains an entry for this variant (Variation ID: 1930988). Advanced modeling of protein sequence and biophysical properties (such as structural, functional, and spatial information, amino acid conservation, physicochemical variation, residue mobility, and thermodynamic stability) performed at Invitae indicates that this missense variant is not expected to disrupt USH2A protein function with a negative predictive value of 95%. In summary, the available evidence is currently insufficient to determine the role of this variant in disease. Therefore, it has been classified as a Variant of Uncertain Significance.